The following is an entry in ClinVar:

ClinVar aggregate classification (germline): Likely benign. Review status: criteria provided, multiple submitters, no conflicts (2 of 4 stars). 3 submissions from 3 submitters: Likely benign (2). 1 of the submissions does not count toward it. Last evaluated 2025-10-01.

Conditions:
KCNQ5-related disorder. Also called: KCNQ5-related condition.

Allele frequency attached by ClinVar (database versions not stated): ExAC 0.00001; gnomAD exomes 0.00001; TOPMed 0.00002; gnomAD 0.00003.
gnomAD v4.1: 37 of 1,614,048 alleles (0.0023%); highest among the groups gnomAD compares: East Asian, 0.025%; no homozygotes.

Submissions (3):

Labcorp Genetics (formerly Invitae), Labcorp
Classification: Likely benign. Last evaluated: 2025-10-01. Review status: criteria provided, single submitter. Criteria: Invitae Variant Classification Sherloc (09022015). Collection method: clinical testing. Allele origin: germline.

Blueprint Genetics
Classification: Likely benign. Last evaluated: 2024-10-22. Review status: criteria provided, single submitter. Criteria: ACMG Guidelines, 2015. Collection method: clinical testing. Allele origin: germline.

PreventionGenetics, part of Exact Sciences
Classification: Likely benign for KCNQ5-related condition. Last evaluated: 2024-06-20. Review status: no assertion criteria provided. Collection method: clinical testing. Allele origin: germline. Not counted in ClinVar's aggregate classification.
Comment: This variant is classified as likely benign based on ACMG/AMP sequence variant interpretation guidelines (Richards et al. 2015 PMID: 25741868, with internal and published modifications).

NM_019842.4(KCNQ5):c.2679C>T (p.Ala893=)

Gene: KCNQ5 (potassium voltage-gated channel subfamily Q member 5; plus strand). Cytogenetic location: 6q13.
Variant type: single nucleotide variant.
Coding change: c.2679C>T on transcript NM_019842.4 (MANE Select); coding-DNA position 2679, C replaced by T.
Protein change: p.Ala893=; no amino-acid change (alanine 893 retained).
Molecular consequence: synonymous variant.
Genome position (GRCh38, 1-based): chr6:73,195,294, C>T. VCF-style: chr6-73195294-C-T. GRCh37 (hg19) VCF-style: chr6-73905017-C-T.
Other names: c.2652C>T, p.Ala884= (NM_001160130.2); c.2709C>T, p.Ala903= (NM_001160132.2); c.2736C>T, p.Ala912= (NM_001160133.2); c.2349C>T, p.Ala783= (NM_001160134.2).
Identifiers: ClinVar variation 744575 (VCV000744575.11), dbSNP rs781623551, ClinGen allele CA3887312.